The following is an entry in ClinVar:

NM_006767.4(LZTR1):c.1388T>C (p.Val463Ala)

Gene: LZTR1 (leucine zipper like post translational regulator 1; plus strand). Cytogenetic location: 22q11.21.
Variant type: single nucleotide variant.
Coding change: c.1388T>C on transcript NM_006767.4 (MANE Select); coding-DNA position 1388, T replaced by C.
Protein change: p.Val463Ala; replaces valine 463 with alanine.
Molecular consequence: missense variant.
Genome position (GRCh38, 1-based): chr22:20,993,958, T>C. VCF-style: chr22-20993958-T-C. GRCh37 (hg19) VCF-style: chr22-21348247-T-C.
Other names: short protein forms V463A.
Identifiers: ClinVar variation 4754860 (VCV004754860.1).

ClinVar aggregate classification (germline): Uncertain significance (1 of 4 stars; one submission).

Submission:

Labcorp Genetics (formerly Invitae), Labcorp
Classification: Uncertain significance. Last evaluated: 2025-07-20. Review status: criteria provided, single submitter. Criteria: Invitae Variant Classification Sherloc (09022015). Collection method: clinical testing. Allele origin: germline.
Comment: This sequence change replaces valine, which is neutral and non-polar, with alanine, which is neutral and non-polar, at codon 463 of the LZTR1 protein (p.Val463Ala). This variant is not present in population databases (gnomAD no frequency). This variant has not been reported in the literature in individuals affected with LZTR1-related conditions. Invitae Evidence Modeling of protein sequence and biophysical properties (such as structural, functional, and spatial information, amino acid conservation, physicochemical variation, residue mobility, and thermodynamic stability) indicates that this missense variant is not expected to disrupt LZTR1 protein function with a negative predictive value of 80%. In summary, the available evidence is currently insufficient to determine the role of this variant in disease. Therefore, it has been classified as a Variant of Uncertain Significance.